The following is an entry in ClinVar:

NM_002471.4(MYH6):c.3978G>C (p.Lys1326Asn)

Gene: MYH6 (myosin heavy chain 6; minus strand). Cytogenetic location: 14q11.2.
Variant type: single nucleotide variant.
Coding change: c.3978G>C on transcript NM_002471.4 (MANE Select); coding-DNA position 3978, G replaced by C.
Protein change: p.Lys1326Asn; replaces lysine 1326 with asparagine.
Molecular consequence: missense variant.
Genome position (GRCh38, 1-based): chr14:23,389,393, C>G on the plus strand (G>C on the coding strand, the complement: MYH6 is on the minus strand). VCF-style: chr14-23389393-C-G. GRCh37 (hg19) VCF-style: chr14-23858602-C-G.
Other names: short protein forms K1326N.
Identifiers: ClinVar variation 407142 (VCV000407142.13), dbSNP rs771913365, ClinGen allele CA7115011.

ClinVar aggregate classification (germline): Uncertain significance. Review status: criteria provided, multiple submitters, no conflicts (2 of 4 stars). 3 submissions from 3 submitters: Uncertain significance (3). Last evaluated 2026-05-05.

Conditions:
Cardiovascular phenotype. Identifiers: MedGen CN230736.
Hypertrophic cardiomyopathy 14. Identifiers: MedGen C2750467, MONDO:0013197, OMIM 613251.

Allele frequency attached by ClinVar (database versions not stated): ExAC 0.00004; TOPMed 0.00002; gnomAD 0.00001; gnomAD exomes 0.00004 and 0.00002.
gnomAD v4.1: 13 of 1,614,104 alleles (0.00081%); highest among the groups gnomAD compares: Admixed American, 0.018%; no homozygotes.

Submissions (3):

Ambry Genetics
Classification: Uncertain significance for Cardiovascular phenotype. Last evaluated: 2026-05-05. Review status: criteria provided, single submitter. Criteria: Ambry Variant Classification Scheme 2023. Collection method: clinical testing. Allele origin: germline.
Comment: The c.3978G>C variant (also known as p.K1326N), located in coding exon 26 of the MYH6 gene, results from a G to C substitution at nucleotide position 3978. The amino acid change results in lysine to asparagine at codon 1326, an amino acid with similar properties. However, this change occurs in the last base pair of coding exon 26, which makes it likely to have some effect on normal mRNA splicing. This nucleotide position is well conserved in available vertebrate species. This amino acid position is highly conserved in available vertebrate species. In silico splice site analysis predicts that this alteration may weaken the native splice donor site. In addition, as a missense substitution this is predicted to be inconclusive by in silico analysis. However, loss of function has not been established as a mechanism of disease. Based on the available evidence, the clinical significance of this variant remains unclear.

Labcorp Genetics (formerly Invitae), Labcorp
Classification: Uncertain significance for Hypertrophic cardiomyopathy 14. Last evaluated: 2024-07-21. Review status: criteria provided, single submitter. Criteria: Invitae Variant Classification Sherloc (09022015). Collection method: clinical testing. Allele origin: germline.
Comment: This sequence change replaces lysine, which is basic and polar, with asparagine, which is neutral and polar, at codon 1326 of the MYH6 protein (p.Lys1326Asn). This variant also falls at the last nucleotide of exon 28, which is part of the consensus splice site for this exon. This variant is present in population databases (rs771913365, gnomAD 0.03%). This variant has not been reported in the literature in individuals affected with MYH6-related conditions. ClinVar contains an entry for this variant (Variation ID: 407142). An algorithm developed to predict the effect of missense changes on protein structure and function (PolyPhen-2) suggests that this variant is likely to be disruptive. Variants that disrupt the consensus splice site are a relatively common cause of aberrant splicing (PMID: 17576681, 9536098). Algorithms developed to predict the effect of sequence changes on RNA splicing suggest that this variant may disrupt the consensus splice site. In summary, the available evidence is currently insufficient to determine the role of this variant in disease. Therefore, it has been classified as a Variant of Uncertain Significance.

Revvity Omics, Revvity
Classification: Uncertain significance. Last evaluated: 2020-12-17. Review status: criteria provided, single submitter. Criteria: ACMG Guidelines, 2015. Collection method: clinical testing. Allele origin: germline.

Literature cited by the submitters: PubMed 17576681 (cited by Labcorp Genetics (formerly Invitae), Labcorp); PubMed 9536098 (cited by Labcorp Genetics (formerly Invitae), Labcorp).